The following is an entry in ClinVar:

NM_000037.4(ANK1):c.*1402G>T

Gene: ANK1 (ankyrin 1; minus strand). Cytogenetic location: 8p11.21.
Variant type: single nucleotide variant.
Coding change: c.*1402G>T on transcript NM_000037.4 (MANE Select); 1402 bases downstream of the stop codon, G replaced by T.
Molecular consequence: 3 prime UTR variant.
Genome position (GRCh38, 1-based): chr8:41,654,388, C>A on the plus strand (G>T on the coding strand, the complement: ANK1 is on the minus strand). VCF-style: chr8-41654388-C-A. GRCh37 (hg19) VCF-style: chr8-41511907-C-A.
Other names: c.*1339G>T (NM_001142445.2, NM_001142446.2, NM_020475.3 and 3 more transcripts); c.*1402G>T (NM_020478.5).
Identifiers: ClinVar variation 362963 (VCV000362963.5), dbSNP rs116137861, ClinGen allele CA10631044.

ClinVar aggregate classification (germline): Conflicting classifications of pathogenicity. Review status: criteria provided, conflicting classifications (1 of 4 stars). 2 submissions from 1 submitter: Uncertain significance (1); Benign (1). Last evaluated 2018-01-12.

Conditions:
Spherocytosis. Identifiers: MedGen C0553720, HP:0004444.
Hereditary spherocytosis type 1. Also called: Spherocytosis type 1; ANK1-Related Spherocytosis. Identifiers: Orphanet 822, MedGen C2674218, MONDO:0008447, OMIM 182900.

Allele frequency attached by ClinVar (database versions not stated): 1000 Genomes Project 0.00938; 1000 Genomes Project 30x 0.00953; gnomAD 0.01199 and 0.01314; TOPMed 0.01447.

Submissions (2):

Illumina Laboratory Services, Illumina
Classification: Benign for Hereditary spherocytosis type 1. Last evaluated: 2018-01-12. Review status: criteria provided, single submitter. Criteria: ICSL Variant Classification Criteria 13 December 2019. Collection method: clinical testing. Allele origin: germline.
Comment: This variant was observed in the ICSL laboratory as part of a predisposition screen in an ostensibly healthy population. It had not been previously curated by ICSL or reported in the Human Gene Mutation Database (HGMD: prior to June 1st, 2018), and was therefore a candidate for classification through an automated scoring system. Utilizing variant allele frequency, disease prevalence and penetrance estimates, and inheritance mode, an automated score was calculated to assess if this variant is too frequent to cause the disease. Based on the score and internal cut-off values, a variant classified as benign is not then subjected to further curation. The score for this variant resulted in a classification of benign for this disease.

Illumina Laboratory Services, Illumina
Classification: Uncertain significance for Spherocytosis. Last evaluated: 2018-01-12. Review status: criteria provided, single submitter. Criteria: ICSL Variant Classification Criteria 13 December 2019. Collection method: clinical testing. Allele origin: germline.